The following is an entry in ClinVar:

ClinVar aggregate classification (germline): Pathogenic (1 of 4 stars; one submission).

Conditions:
Hereditary cancer-predisposing syndrome. Also called: Neoplastic Syndromes, Hereditary; Tumor predisposition; Hereditary neoplastic syndrome; Hereditary Cancer Syndrome. Identifiers: Orphanet 140162, MedGen C0027672, MeSH D009386, MONDO:0015356.

Submission:

Ambry Genetics
Classification: Pathogenic for Hereditary cancer-predisposing syndrome. Last evaluated: 2023-02-28. Review status: criteria provided, single submitter. Criteria: Ambry Variant Classification Scheme 2023. Collection method: clinical testing. Allele origin: germline.
Comment: The c.3421dupA pathogenic mutation, located in coding exon 15 of the APC gene, results from a duplication of A at nucleotide position 3421, causing a translational frameshift with a predicted alternate stop codon (p.T1141Nfs*4). This alteration has been observed in at least one individual with a personal and/or family history that is consistent with APC-related disease (Ambry internal data). This variant is considered to be rare based on population cohorts in the Genome Aggregation Database (gnomAD). This alteration is expected to result in loss of function by premature protein truncation or nonsense-mediated mRNA decay. As such, this alteration is interpreted as a disease-causing mutation.

NM_000038.6(APC):c.3421dup (p.Thr1141fs)

Gene: APC (APC regulator of Wnt signaling pathway; plus strand). Cytogenetic location: 5q22.2.
Variant type: Duplication.
Coding change: c.3421dup on transcript NM_000038.6 (MANE Select); coding-DNA position 3421, one base duplicated (A; older notation c.3421dupA).
Protein change: p.Thr1141fs; shifts the reading frame from threonine 1141.
Molecular consequence: frameshift variant. On other transcripts: non-coding transcript variant (2).
Genome position (GRCh38, 1-based): chr5:112,839,015, A duplicated. VCF-style (leftmost placement, unchanged base first): chr5-112839014-T-TA. GRCh37 (hg19) VCF-style: chr5-112174711-T-TA.
Other names: c.3421dup, p.Thr1141fs (NM_001127510.3, NM_001354895.2, NM_001407450.1); c.3367dup, p.Thr1123fs (NM_001127511.3); c.3475dup, p.Thr1159fs (NM_001354896.2, NM_001407447.1, NM_001407448.1 and 1 more transcripts); c.3451dup, p.Thr1151fs (NM_001354897.2); c.3346dup, p.Thr1116fs (NM_001354898.2); c.3337dup, p.Thr1113fs (NM_001354899.2); c.3298dup, p.Thr1100fs (NM_001354900.2); c.3244dup, p.Thr1082fs (NM_001354901.2, NM_001407453.1); and 11 more; short protein forms T1012fs, T1015fs, T1040fs, T1050fs, T1058fs, T1082fs, T1100fs, T1113fs.
Identifiers: ClinVar variation 3229482 (VCV003229482.1), dbSNP rs2533496678, ClinGen allele CA2825001370.